The following is an entry in ClinVar:

ClinVar aggregate classification (germline): Conflicting classifications of pathogenicity. Review status: criteria provided, conflicting classifications (1 of 4 stars). 9 submissions from 9 submitters: Uncertain significance (7); Benign (1). 1 of the submissions does not count toward it. Last evaluated 2025-12-22.

Conditions:
Lynch syndrome 5 (LYNCH5). Also called: Hereditary non-polyposis colorectal cancer, type 5; Colorectal cancer, hereditary nonpolyposis, type 5. Identifiers: Orphanet 144, MedGen C1833477, MONDO:0013710, OMIM 614350. Disease mechanism: loss of function.
Endometrial carcinoma. Also called: Endometrial carcinoma, somatic. Identifiers: MedGen C0476089, MONDO:0002447, OMIM 608089, HP:0012114.
Mismatch repair cancer syndrome 3. Identifiers: MedGen C5436807, MONDO:0030841, OMIM 619097.
Hereditary cancer-predisposing syndrome. Also called: Hereditary neoplastic syndrome; Hereditary Cancer Syndrome; Neoplastic Syndromes, Hereditary; Tumor predisposition. Identifiers: Orphanet 140162, MedGen C0027672, MeSH D009386, MONDO:0015356.
Hereditary nonpolyposis colorectal neoplasms. Identifiers: MedGen C0009405, MeSH D003123.
Lynch syndrome. Identifiers: Orphanet 144, MedGen C4552100, MONDO:0005835. Disease mechanism: loss of function.

Allele frequency attached by ClinVar (database versions not stated): gnomAD exomes below 0.00001; TOPMed below 0.00001; gnomAD 0.00001.
gnomAD v4.1: 2 of 1,614,060 alleles (0.00012%); highest among the groups gnomAD compares: Non-Finnish European, 0.00017%; no homozygotes.

Submissions (9):

Labcorp Genetics (formerly Invitae), Labcorp
Classification: Benign for Hereditary nonpolyposis colorectal neoplasms. Last evaluated: 2025-12-22. Review status: criteria provided, single submitter. Criteria: Invitae Variant Classification Sherloc (09022015). Collection method: clinical testing. Allele origin: germline.

Department of Pathology and Laboratory Medicine, Sinai Health System
Classification: Uncertain significance for Endometrial carcinoma; Lynch syndrome 5; Mismatch repair cancer syndrome 3. Last evaluated: 2024-10-11. Review status: criteria provided, single submitter. Criteria: ACMG Guidelines, 2015. Collection method: clinical testing. Allele origin: germline. Affected: no.

All of Us Research Program, National Institutes of Health
Classification: Uncertain significance for Lynch syndrome. Last evaluated: 2024-03-24. Review status: criteria provided, single submitter. Criteria: ACMG Guidelines, 2015. Collection method: clinical testing. Allele origin: germline. Inheritance: Autosomal dominant inheritance. Observed: 1 variant allele, 1 heterozygote.
Comment: This missense variant replaces valine with methionine at codon 304 of the MSH6 protein. Computational prediction suggests that this variant may not impact protein structure and function (internally defined REVEL score threshold <= 0.5, PMID: 27666373). To our knowledge, functional studies have not been reported for this variant. This variant has not been reported in individuals affected with hereditary cancer in the literature. This variant has not been identified in the general population by the Genome Aggregation Database (gnomAD). The available evidence is insufficient to determine the role of this variant in disease conclusively. Therefore, this variant is classified as a Variant of Uncertain Significance.

This study involves interpretation of variants in research participants for the purpose of population health screening. Participant phenotype was not available at the time of variant classification. Additional details can be found in publication PMID: 35346344, PMCID: PMC8962531

GeneDx
Classification: Uncertain significance. Last evaluated: 2024-03-19. Review status: criteria provided, single submitter. Criteria: GeneDx Variant Classification Process June 2021. Collection method: clinical testing. Allele origin: germline. Affected: yes.
Comment: Not observed at significant frequency in large population cohorts (gnomAD); In silico analysis supports that this missense variant does not alter protein structure/function; Has not been previously published as pathogenic or benign to our knowledge; This variant is associated with the following publications: (PMID: 21437237)

Color Diagnostics, LLC DBA Color Health
Classification: Uncertain significance for Hereditary cancer-predisposing syndrome. Last evaluated: 2024-03-06. Review status: criteria provided, single submitter. Criteria: ACMG Guidelines, 2015. Collection method: clinical testing. Allele origin: germline.
Comment: This missense variant replaces valine with methionine at codon 304 of the MSH6 protein. Computational prediction suggests that this variant may not impact protein structure and function (internally defined REVEL score threshold <= 0.5, PMID: 27666373). To our knowledge, functional studies have not been reported for this variant. This variant has not been reported in individuals affected with hereditary cancer in the literature. This variant has not been identified in the general population by the Genome Aggregation Database (gnomAD). The available evidence is insufficient to determine the role of this variant in disease conclusively. Therefore, this variant is classified as a Variant of Uncertain Significance.

Ambry Genetics
Classification: Uncertain significance for Hereditary cancer-predisposing syndrome. Last evaluated: 2024-01-17. Review status: criteria provided, single submitter. Criteria: Ambry Variant Classification Scheme 2023. Collection method: clinical testing. Allele origin: germline.
Comment: The p.V304M variant (also known as c.910G>A), located in coding exon 4 of the MSH6 gene, results from a G to A substitution at nucleotide position 910. The valine at codon 304 is replaced by methionine, an amino acid with highly similar properties. This amino acid position is not well conserved in available vertebrate species. In addition, this alteration is predicted to be tolerated by in silico analysis. Since supporting evidence is limited at this time, the clinical significance of this alteration remains unclear.

Myriad Genetics, Inc.
Classification: Uncertain significance for Lynch syndrome 5. Last evaluated: 2023-03-27. Review status: criteria provided, single submitter. Criteria: Myriad Autosomal Dominant, Autosomal Recessive and X-Linked Classification Criteria (2023). Collection method: clinical testing. Allele origin: unknown.
Comment: This variant is classified as a variant of uncertain significance as there is insufficient evidence to determine its impact on protein function and/or cancer risk.

Quest Diagnostics Nichols Institute San Juan Capistrano
Classification: Uncertain significance. Last evaluated: 2018-09-11. Review status: criteria provided, single submitter. Criteria: Quest Diagnostics criteria. Collection method: clinical testing. Allele origin: germline.

Counsyl
Classification: Uncertain significance for Lynch syndrome 5. Last evaluated: 2018-05-21. Review status: no assertion criteria provided. Collection method: clinical testing. Allele origin: unknown. Not counted in ClinVar's aggregate classification.

NM_000179.3(MSH6):c.910G>A (p.Val304Met)

Gene: MSH6 (mutS homolog 6; plus strand). Cytogenetic location: 2p16.3.
Variant type: single nucleotide variant.
Coding change: c.910G>A on transcript NM_000179.3 (MANE Select); coding-DNA position 910, G replaced by A.
Protein change: p.Val304Met; replaces valine 304 with methionine.
Molecular consequence: missense variant.
Genome position (GRCh38, 1-based): chr2:47,798,893, G>A. VCF-style: chr2-47798893-G-A. GRCh37 (hg19) VCF-style: chr2-48026032-G-A.
Other names: c.520G>A, p.Val174Met (NM_001281492.2); c.4G>A, p.Val2Met (NM_001281493.2, NM_001281494.2); short protein forms V304M, V174M, V2M.
Identifiers: ClinVar variation 234768 (VCV000234768.30), dbSNP rs876661207, ClinGen allele CA10577267.